The following is an entry in ClinVar:

NM_198129.4(LAMA3):c.1844T>G (p.Leu615Arg)

Gene: LAMA3 (laminin subunit alpha 3; plus strand). Cytogenetic location: 18q11.2.
Variant type: single nucleotide variant.
Coding change: c.1844T>G on transcript NM_198129.4 (MANE Select); coding-DNA position 1844, T replaced by G.
Protein change: p.Leu615Arg; replaces leucine 615 with arginine.
Molecular consequence: missense variant.
Genome position (GRCh38, 1-based): chr18:23,814,458, T>G. VCF-style: chr18-23814458-T-G. GRCh37 (hg19) VCF-style: chr18-21394422-T-G.
Other names: c.1844T>G (NM_198129.2); c.1844T>G, p.Leu615Arg (NM_001127717.4); short protein forms L615R.
Identifiers: ClinVar variation 4045877 (VCV004045877.2).
Genomic context (GRCh38, chr18:23,814,458, plus strand): 5'-CAAAGGGGTATTGCCAATGCAAGCTTCATGTTGAAGGTCCTACTTGTAGCCGCTGCAAAC[T>G]GTTATATTGGAATCTGGACAAAGAAAACCCCAGTGGATGTTCAGGTAGGTTTCTTATATG-3'
Protein context (NP_937762.2, residues 605-625): VEGPTCSRCK[Leu615Arg]LYWNLDKENP

ClinVar aggregate classification (germline): Conflicting classifications of pathogenicity. Review status: criteria provided, conflicting classifications (1 of 4 stars). 2 submissions from 2 submitters: Uncertain significance (1); Likely benign (1). Last evaluated 2025-05-23.

Conditions:
LAMA3-related disorder. Also called: LAMA3-related disorders; LAMA3-related condition.
Inborn genetic diseases. Identifiers: MedGen C0950123, MeSH D030342.

gnomAD v4.1: 349 of 1,613,982 alleles (0.022%); highest among the groups gnomAD compares: Admixed American, 0.15%; no homozygotes.

Submissions (2):

Ambry Genetics
Classification: Uncertain significance for Inborn genetic diseases. Last evaluated: 2025-05-23. Review status: criteria provided, single submitter. Criteria: Ambry Variant Classification Scheme 2023. Collection method: clinical testing. Allele origin: germline.

PreventionGenetics, part of Exact Sciences
Classification: Likely benign for LAMA3-related condition. Last evaluated: 2024-11-27. Review status: criteria provided, single submitter. Criteria: ACMG Guidelines, 2015. Collection method: clinical testing. Allele origin: germline.
Comment: This variant is classified as likely benign based on ACMG/AMP sequence variant interpretation guidelines (Richards et al. 2015 PMID: 25741868, with internal and published modifications).